The following is an entry in ClinVar:

NM_000289.6(PFKM):c.638+4A>G

Gene: PFKM (phosphofructokinase, muscle; plus strand). Cytogenetic location: 12q13.11.
Variant type: single nucleotide variant.
Coding change: c.638+4A>G on transcript NM_000289.6 (MANE Select); 4 bases into the intron after coding-DNA position 638, A replaced by G.
Molecular consequence: intron variant.
Genome position (GRCh38, 1-based): chr12:48,134,280, A>G. VCF-style: chr12-48134280-A-G. GRCh37 (hg19) VCF-style: chr12-48528063-A-G.
Other names: c.662+4A>G (NM_001354741.2); c.638+4A>G (NM_001354742.2, NM_001354743.2, NM_001354744.2 and 4 more transcripts); c.488+4A>G (NM_001354747.2, NM_001354748.2); c.851+4A>G (NM_001166686.2, NM_001354737.1, NM_001354739.1 and 1 more transcripts); c.947+4A>G (NM_001354736.1, NM_001354735.1); c.782+4A>G (NM_001354740.1); c.551+4A>G (NM_001354745.2).
Identifiers: ClinVar variation 2075831 (VCV002075831.1), dbSNP rs1949837480, ClinGen allele CA947373574.
Genomic context (GRCh38, chr12:48,134,280, plus strand): 5'-TATCTCTTGCAGCCACCAGAGGACATTTGTGTTAGAAGTAATGGGCCGCCACTGTGGGTA[A>G]GATCCTCATTCTGACCCATTTATTCCGTGGACCTAGCGATAGCCCTTTCCTTTTCCCCAG-3'

ClinVar aggregate classification (germline): Uncertain significance (1 of 4 stars; one submission).

Conditions:
Glycogen storage disease, type VII (GSD7). Also called: TARUI DISEASE; GSD VII; MUSCLE PHOSPHOFRUCTOKINASE DEFICIENCY; PFKM DEFICIENCY. Identifiers: Orphanet 371, MedGen C0017926, MONDO:0009295, OMIM 232800.

Allele frequency attached by ClinVar (database versions not stated): gnomAD exomes below 0.00001; gnomAD 0.00001.
gnomAD v4.1: 2 of 1,612,820 alleles (0.00012%); highest among the groups gnomAD compares: African/African-American, 0.0013%; no homozygotes.

Submission:

Labcorp Genetics (formerly Invitae), Labcorp
Classification: Uncertain significance for Glycogen storage disease, type VII. Last evaluated: 2022-01-13. Review status: criteria provided, single submitter. Criteria: Invitae Variant Classification Sherloc (09022015). Collection method: clinical testing. Allele origin: germline.
Comment: This sequence change falls in intron 7 of the PFKM gene. It does not directly change the encoded amino acid sequence of the PFKM protein. It affects a nucleotide within the consensus splice site. This variant is not present in population databases (gnomAD no frequency). This variant has not been reported in the literature in individuals affected with PFKM-related conditions. Variants that disrupt the consensus splice site are a relatively common cause of aberrant splicing (PMID: 17576681, 9536098). Algorithms developed to predict the effect of sequence changes on RNA splicing suggest that this variant may disrupt the consensus splice site. In summary, the available evidence is currently insufficient to determine the role of this variant in disease. Therefore, it has been classified as a Variant of Uncertain Significance.

Literature cited by the submitters: PubMed 17576681; PubMed 9536098.